The following is an entry in ClinVar:

NM_001184.4(ATR):c.6755A>C (p.Glu2252Ala)

Gene: ATR (ATR checkpoint kinase; minus strand). Cytogenetic location: 3q23.
Variant type: single nucleotide variant.
Coding change: c.6755A>C on transcript NM_001184.4 (MANE Select); coding-DNA position 6755, A replaced by C.
Protein change: p.Glu2252Ala; replaces glutamic acid 2252 with alanine.
Molecular consequence: missense variant.
Genome position (GRCh38, 1-based): chr3:142,466,466, T>G on the plus strand (A>C on the coding strand, the complement: ATR is on the minus strand). VCF-style: chr3-142466466-T-G. GRCh37 (hg19) VCF-style: chr3-142185308-T-G.
Other names: c.6563A>C, p.Glu2188Ala (NM_001354579.2); short protein forms E2188A, E2252A.
Identifiers: ClinVar variation 1755252 (VCV001755252.2), dbSNP rs760902300, ClinGen allele CA2649270.

ClinVar aggregate classification (germline): Uncertain significance (1 of 4 stars; one submission).

Conditions:
Inborn genetic diseases. Identifiers: MedGen C0950123, MeSH D030342.

Allele frequency attached by ClinVar (database versions not stated): ExAC 0.00001.
gnomAD v4.1: 1 of 1,613,954 alleles (0.000062%); highest among the groups gnomAD compares: South Asian, 0.0011%; no homozygotes.

Submission:

Ambry Genetics
Classification: Uncertain significance for Inborn genetic diseases. Last evaluated: 2021-12-21. Review status: criteria provided, single submitter. Criteria: Ambry Variant Classification Scheme 2023. Collection method: clinical testing. Allele origin: germline.
Comment: The p.E2252A variant (also known as c.6755A>C), located in coding exon 40 of the ATR gene, results from an A to C substitution at nucleotide position 6755. The glutamic acid at codon 2252 is replaced by alanine, an amino acid with dissimilar properties. This amino acid position is conserved. In addition, the in silico prediction for this alteration is inconclusive. Since supporting evidence is limited at this time, the clinical significance of this alteration remains unclear.